The following is an entry in ClinVar:

NM_152383.5(DIS3L2):c.359A>T (p.His120Leu)

Gene: DIS3L2 (DIS3 like 3'-5' exoribonuclease 2; plus strand). Cytogenetic location: 2q37.1.
Variant type: single nucleotide variant.
Coding change: c.359A>T on transcript NM_152383.5 (MANE Select); coding-DNA position 359, A replaced by T.
Protein change: p.His120Leu; replaces histidine 120 with leucine.
Molecular consequence: missense variant. On other transcripts: non-coding transcript variant (2).
Genome position (GRCh38, 1-based): chr2:232,030,073, A>T. VCF-style: chr2-232030073-A-T. GRCh37 (hg19) VCF-style: chr2-232894783-A-T.
Other names: c.359A>T, p.His120Leu (NM_001257282.2, NM_001257281.2); short protein forms H120L.
Identifiers: ClinVar variation 1041947 (VCV001041947.6), dbSNP rs779030223, ClinGen allele CA351153040.

ClinVar aggregate classification (germline): Uncertain significance (1 of 4 stars; one submission).

Conditions:
Perlman syndrome (PRLMNS). Identifiers: Orphanet 2849, MedGen C0796113, MONDO:0009965, OMIM 267000.

Submission:

Labcorp Genetics (formerly Invitae), Labcorp
Classification: Uncertain significance for Perlman syndrome. Last evaluated: 2022-11-15. Review status: criteria provided, single submitter. Criteria: Invitae Variant Classification Sherloc (09022015). Collection method: clinical testing. Allele origin: germline.
Comment: In summary, the available evidence is currently insufficient to determine the role of this variant in disease. Therefore, it has been classified as a Variant of Uncertain Significance. Algorithms developed to predict the effect of missense changes on protein structure and function (SIFT, PolyPhen-2, Align-GVGD) all suggest that this variant is likely to be tolerated. ClinVar contains an entry for this variant (Variation ID: 1041947). This variant has not been reported in the literature in individuals affected with DIS3L2-related conditions. This variant is not present in population databases (gnomAD no frequency). This sequence change replaces histidine, which is basic and polar, with leucine, which is neutral and non-polar, at codon 120 of the DIS3L2 protein (p.His120Leu).